The following is an entry in ClinVar:

NM_006929.5(SKIC2):c.112G>A (p.Ala38Thr)

Gene: SKIC2 (SKI2 subunit of superkiller complex; plus strand). Cytogenetic location: 6p21.33.
Variant type: single nucleotide variant.
Coding change: c.112G>A on transcript NM_006929.5 (MANE Select); coding-DNA position 112, G replaced by A.
Protein change: p.Ala38Thr; replaces alanine 38 with threonine.
Molecular consequence: missense variant.
Genome position (GRCh38, 1-based): chr6:31,959,386, G>A. VCF-style: chr6-31959386-G-A. GRCh37 (hg19) VCF-style: chr6-31927163-G-A.
Other names: short protein forms A38T.
Identifiers: ClinVar variation 2058246 (VCV002058246.4), dbSNP rs2151802041, ClinGen allele CA363433271.
Genomic context (GRCh38, chr6:31,959,386, plus strand): 5'-CCCCTTCGGGCCGTGGAGCTCGGATGCACGGGGCACTGGGAGCTGCTGAACTTGCCTGGA[G>A]CTCCAGAGAGTAGCGTGAGTGACTTTTGACCCTAACCTTTGACCCGCATTGAGTCCAAAC-3'
Protein context (NP_008860.4, residues 28-48): GHWELLNLPG[Ala38Thr]PESSLPHGLP

ClinVar aggregate classification (germline): Uncertain significance (1 of 4 stars; one submission).

Submission:

Labcorp Genetics (formerly Invitae), Labcorp
Classification: Uncertain significance. Last evaluated: 2021-12-24. Review status: criteria provided, single submitter. Criteria: Invitae Variant Classification Sherloc (09022015). Collection method: clinical testing. Allele origin: germline.
Comment: This sequence change replaces alanine, which is neutral and non-polar, with threonine, which is neutral and polar, at codon 38 of the SKIV2L protein (p.Ala38Thr). This variant is not present in population databases (gnomAD no frequency). This variant has not been reported in the literature in individuals affected with SKIV2L-related conditions. Algorithms developed to predict the effect of missense changes on protein structure and function output the following: SIFT: "Tolerated"; PolyPhen-2: "Benign"; Align-GVGD: "Class C0". The threonine amino acid residue is found in multiple mammalian species, which suggests that this missense change does not adversely affect protein function. In summary, the available evidence is currently insufficient to determine the role of this variant in disease. Therefore, it has been classified as a Variant of Uncertain Significance.